The following is an entry in ClinVar:

ClinVar aggregate classification (germline): Uncertain significance (1 of 4 stars; one submission).

Conditions:
Multiple congenital anomalies-hypotonia-seizures syndrome 1 (MCAHS1). Also called: PIGN-CDG; Congenital disorder of glycosylation due to PIGN deficiency; GLYCOSYLPHOSPHATIDYLINOSITOL BIOSYNTHESIS DEFECT 3. Identifiers: Orphanet 280633, MedGen C3279775, MONDO:0013563, OMIM 614080.

Allele frequency attached by ClinVar (database versions not stated): gnomAD exomes 0.00001; gnomAD 0.00003; TOPMed 0.00002.
gnomAD v4.1: 23 of 1,603,034 alleles (0.0014%); highest among the groups gnomAD compares: Non-Finnish European, 0.002%; no homozygotes.

Submission:

Labcorp Genetics (formerly Invitae), Labcorp
Classification: Uncertain significance for Multiple congenital anomalies-hypotonia-seizures syndrome 1. Last evaluated: 2021-08-24. Review status: criteria provided, single submitter. Criteria: Invitae Variant Classification Sherloc (09022015). Collection method: clinical testing. Allele origin: germline.
Comment: This sequence change replaces valine with isoleucine at codon 864 of the PIGN protein (p.Val864Ile). The valine residue is moderately conserved and there is a small physicochemical difference between valine and isoleucine. This variant is not present in population databases (ExAC no frequency). This variant has not been reported in the literature in individuals affected with PIGN-related conditions. Algorithms developed to predict the effect of missense changes on protein structure and function are either unavailable or do not agree on the potential impact of this missense change (SIFT: "Tolerated"; PolyPhen-2: "Possibly Damaging"; Align-GVGD: "Class C0"). In summary, the available evidence is currently insufficient to determine the role of this variant in disease. Therefore, it has been classified as a Variant of Uncertain Significance.

NM_176787.5(PIGN):c.2590G>A (p.Val864Ile)

Gene: PIGN (phosphatidylinositol glycan anchor biosynthesis class N; minus strand). Cytogenetic location: 18q21.33.
Variant type: single nucleotide variant.
Coding change: c.2590G>A on transcript NM_176787.5 (MANE Select); coding-DNA position 2590, G replaced by A.
Protein change: p.Val864Ile; replaces valine 864 with isoleucine.
Molecular consequence: missense variant.
Genome position (GRCh38, 1-based): chr18:62,074,808, C>T on the plus strand (G>A on the coding strand, the complement: PIGN is on the minus strand). VCF-style: chr18-62074808-C-T. GRCh37 (hg19) VCF-style: chr18-59742041-C-T.
Other names: c.2590G>A, p.Val864Ile (NM_012327.6); short protein forms V864I.
Identifiers: ClinVar variation 472223 (VCV000472223.6), dbSNP rs966106333, ClinGen allele CA301887240.